The following is an entry in ClinVar:

ClinVar aggregate classification (germline): Uncertain significance (1 of 4 stars; one submission).

Conditions:
T-B+ severe combined immunodeficiency due to JAK3 deficiency. Also called: SCID, autosomal recessive, T-negative/B-positive type; SCID, T CELL-NEGATIVE, B CELL-POSITIVE, NK CELL-NEGATIVE. Identifiers: Orphanet 35078, MedGen C1833275, MONDO:0010938, OMIM 600802.

gnomAD v4.1: 1 of 1,610,810 alleles (0.000062%); highest among the groups gnomAD compares: South Asian, 0.0011%; no homozygotes.

Submission:

Labcorp Genetics (formerly Invitae), Labcorp
Classification: Uncertain significance for T-B+ severe combined immunodeficiency due to JAK3 deficiency. Last evaluated: 2024-07-31. Review status: criteria provided, single submitter. Criteria: Invitae Variant Classification Sherloc (09022015). Collection method: clinical testing. Allele origin: germline.
Comment: This sequence change replaces glycine, which is neutral and non-polar, with arginine, which is basic and polar, at codon 182 of the JAK3 protein (p.Gly182Arg). The frequency data for this variant in the population databases is considered unreliable, as metrics indicate poor data quality at this position in the gnomAD database. This variant has not been reported in the literature in individuals affected with JAK3-related conditions. An algorithm developed to predict the effect of missense changes on protein structure and function outputs the following: PolyPhen-2: "Benign". The arginine amino acid residue is found in multiple mammalian species, which suggests that this missense change does not adversely affect protein function. In summary, the available evidence is currently insufficient to determine the role of this variant in disease. Therefore, it has been classified as a Variant of Uncertain Significance.

NM_000215.4(JAK3):c.544G>A (p.Gly182Arg)

Gene: JAK3 (Janus kinase 3; minus strand). Cytogenetic location: 19p13.11.
Variant type: single nucleotide variant.
Coding change: c.544G>A on transcript NM_000215.4 (MANE Select); coding-DNA position 544, G replaced by A.
Protein change: p.Gly182Arg; replaces glycine 182 with arginine.
Molecular consequence: missense variant.
Genome position (GRCh38, 1-based): chr19:17,843,049, C>T on the plus strand (G>A on the coding strand, the complement: JAK3 is on the minus strand). VCF-style: chr19-17843049-C-T. GRCh37 (hg19) VCF-style: chr19-17953858-C-T.
Other names: short protein forms G182R.
Identifiers: ClinVar variation 3680445 (VCV003680445.2).